The following is an entry in ClinVar:

ClinVar aggregate classification (germline): Pathogenic (1 of 4 stars; one submission).

Conditions:
Fabry disease. Also called: ALPHA-GALACTOSIDASE A DEFICIENCY; ANDERSON-FABRY DISEASE; CERAMIDE TRIHEXOSIDASE DEFICIENCY; GLA DEFICIENCY; HEREDITARY DYSTOPIC LIPIDOSIS; Angiokeratoma corporis diffusum. Identifiers: Orphanet 324, MedGen C0002986, MONDO:0010526, OMIM 301500, HP:0001071. Disease mechanism: Fabry disease is due to inactivating mutations in the X-linked GLA gene resulting in deficiency of the enzyme Alpha Galactosidase-A., loss of function.

Submission:

Genomenon, Inc
Classification: Pathogenic for Fabry disease. Last evaluated: 2026-09-08. Review status: criteria provided, single submitter. Criteria: Genomenon Sequence Variant Interpretation Standards - Updated. Collection method: curation. Allele origin: germline. Affected: yes.
Comment: GLA p.Cys202TrpfsTer38 (c.606del) is a frameshift variant that is predicted to introduce a premature termination codon and result in a truncated or absent protein product. This variant has been observed in at least one proband with clinical features consistent with Fabry disease (PMID:17206462). The variant was found to segregate with disease in at least one affected family (PMID:17206462). It is absent or not present at a significant frequency in gnomAD. In conclusion, we classify GLA p.Cys202TrpfsTer38 (c.606del) as a pathogenic variant.

Literature cited by the submitters: PubMed 17206462.

NM_000169.3(GLA):c.606del (p.Cys202fs)

Genes: GLA (galactosidase alpha; minus strand), RPL36A-HNRNPH2 (RPL36A-HNRNPH2 readthrough; plus strand). Cytogenetic location: Xq22.1.
Variant type: Deletion.
Coding change: c.606del on transcript NM_000169.3 (MANE Select); coding-DNA position 606, one base deleted (T; older notation c.606delT).
Protein change: p.Cys202fs; shifts the reading frame from cysteine 202.
Molecular consequence: frameshift variant. On other transcripts: non-coding transcript variant (2), intron variant (2).
Genome position (GRCh38, 1-based): chrX:101,400,699, A deleted on the plus strand (T on the coding strand, the reverse complement: GLA is on the minus strand). VCF-style (leftmost placement, unchanged base first): chrX-101400698-CA-C. GRCh37 (hg19) VCF-style: chrX-100655686-CA-C.
Other names: c.729del, p.Cys243fs (NM_001406747.1); c.606del, p.Cys202fs (NM_001406748.1); c.300+5242del (NM_001199973.2); c.177+8877del (NM_001199974.2); short protein forms C202fs, C243fs.
Identifiers: ClinVar variation 4086982 (VCV004086982.2).